The following is an entry in ClinVar:

ClinVar aggregate classification (germline): Uncertain significance (1 of 4 stars; one submission).

Conditions:
RASopathy. Also called: rasopathies; Noonan spectrum disorder. Identifiers: Orphanet 536391, MedGen C5555857, MONDO:0021060.

Submission:

Labcorp Genetics (formerly Invitae), Labcorp
Classification: Uncertain significance for RASopathy. Last evaluated: 2024-02-09. Review status: criteria provided, single submitter. Criteria: Invitae Variant Classification Sherloc (09022015). Collection method: clinical testing. Allele origin: germline.
Comment: This sequence change replaces glutamine, which is neutral and polar, with glutamic acid, which is acidic and polar, at codon 973 of the SOS1 protein (p.Gln973Glu). This variant is not present in population databases (gnomAD no frequency). This variant has not been reported in the literature in individuals affected with SOS1-related conditions. Advanced modeling of protein sequence and biophysical properties (such as structural, functional, and spatial information, amino acid conservation, physicochemical variation, residue mobility, and thermodynamic stability) performed at Invitae indicates that this missense variant is expected to disrupt SOS1 protein function with a positive predictive value of 95%. In summary, the available evidence is currently insufficient to determine the role of this variant in disease. Therefore, it has been classified as a Variant of Uncertain Significance.

NM_005633.4(SOS1):c.2917C>G (p.Gln973Glu)

Gene: SOS1 (SOS Ras/Rac guanine nucleotide exchange factor 1; minus strand). Cytogenetic location: 2p22.1.
Variant type: single nucleotide variant.
Coding change: c.2917C>G on transcript NM_005633.4 (MANE Select); coding-DNA position 2917, C replaced by G.
Protein change: p.Gln973Glu; replaces glutamine 973 with glutamic acid.
Molecular consequence: missense variant.
Genome position (GRCh38, 1-based): chr2:38,997,300, G>C on the plus strand (C>G on the coding strand, the complement: SOS1 is on the minus strand). VCF-style: chr2-38997300-G-C. GRCh37 (hg19) VCF-style: chr2-39224441-G-C.
Other names: c.2896C>G, p.Gln966Glu (NM_001382394.1); c.2917C>G, p.Gln973Glu (NM_001382395.1); short protein forms Q966E, Q973E.
Identifiers: ClinVar variation 3639809 (VCV003639809.2).